The following is an entry in ClinVar:

NM_000274.4(OAT):c.533G>C (p.Trp178Ser)

Gene: OAT (ornithine aminotransferase; minus strand). Cytogenetic location: 10q26.13.
Variant type: single nucleotide variant.
Coding change: c.533G>C on transcript NM_000274.4 (MANE Select); coding-DNA position 533, G replaced by C.
Protein change: p.Trp178Ser; replaces tryptophan 178 with serine.
Molecular consequence: missense variant. On other transcripts: 5 prime UTR variant (1).
Genome position (GRCh38, 1-based): chr10:124,405,551, C>G on the plus strand (G>C on the coding strand, the complement: OAT is on the minus strand). VCF-style: chr10-124405551-C-G. GRCh37 (hg19) VCF-style: chr10-126094120-C-G.
Other names: c.119G>C, p.Trp40Ser (NM_001171814.2); c.533G>C, p.Trp178Ser (NM_001322965.2, NM_001322966.2, NM_001322967.2 and 3 more transcripts); c.212G>C, p.Trp71Ser (NM_001322971.2); c.-68G>C (NM_001322974.2); short protein forms W71S, W178S, W40S.
Identifiers: ClinVar variation 878554 (VCV000878554.4), dbSNP rs267606923, ClinGen allele CA378636717.
Genomic context (GRCh38, chr10:124,405,551, plus strand): 5'-CCAAAACCATCGTAACTGGTTGGGTCTGTGGAACTGGAGATAGCAGACAACGTCCTACCC[C>G]AGAAGTTCCCAGCTACAAAGGGGAAACAAACAGTGATTATTTCAAAGAAACCCAAAATTC-3'
Protein context (NP_000265.1, residues 168-188): AKIVFAAGNF[Trp178Ser]GRTLSAISSS

ClinVar aggregate classification (germline): Uncertain significance (1 of 4 stars; one submission).

Conditions:
Ornithine aminotransferase deficiency (GACR). Also called: Ornithine ketoacid aminotransferase deficiency; Gyrate atrophy; Gyrate atrophy of choroid and retina; Girate atrophy of the retina; HYPERORNITHINEMIA WITH GYRATE ATROPHY OF CHOROID AND RETINA; OAT DEFICIENCY. Identifiers: Orphanet 414, MedGen C0018425, MONDO:0009796, OMIM 258870.

Submission:

Illumina Laboratory Services, Illumina
Classification: Uncertain significance for Ornithine aminotransferase deficiency. Last evaluated: 2017-04-27. Review status: criteria provided, single submitter. Criteria: ICSL Variant Classification Criteria 13 December 2019. Collection method: clinical testing. Allele origin: germline.
Comment: This variant was observed as part of a predisposition screen in an ostensibly healthy population. A literature search was performed for the gene, cDNA change, and amino acid change (where applicable). Publications were found based on this search. However, the evidence from the literature, in combination with allele frequency data from public databases where available, was not sufficient to rule this variant in or out of causing disease. Therefore, this variant is classified as a variant of unknown significance.

Literature cited by the submitters: PubMed 27978498.